The following is an entry in ClinVar:

ClinVar aggregate classification (germline): Uncertain significance (1 of 4 stars; one submission).

Allele frequency attached by ClinVar (database versions not stated): gnomAD exomes 0.00001 and 0.00002; ExAC 0.00004.
gnomAD v4.1: 8 of 1,614,170 alleles (0.0005%); highest among the groups gnomAD compares: Non-Finnish European, 0.00068%; no homozygotes.

Submission:

GeneDx
Classification: Uncertain significance. Last evaluated: 2014-12-02. Review status: criteria provided, single submitter. Criteria: GeneDx Variant Classification (06012015). Collection method: clinical testing. Allele origin: germline. Affected: yes.
Comment: p.Thr1234Ala (ACG>GCG): c.3700 A>G in exon 28 of the FBN2 gene (NM_001999.3) The T1234A variant has not been published as a mutation, nor has it been reported as a benign polymorphism to our knowledge. The T1234A variant was not observed in approximately 6500 individuals of European and African American ancestry in the NHLBI Exome Sequencing Project, indicating it is not a common benign variant in these populations. The T1234A variant is a non-conservative amino acid substitution, which is likely to impact secondary protein structure as these residues differ in polarity, charge, size and/or other properties. This substitution occurs at a position that is conserved across species. However, in silico analysis is inconsistent in its predictions as to whether or not the variant is damaging to the protein structure/function. Furthermore, only one missense mutation in a nearby residue (C1240R) has been reported in association with contractural archnodactyly, indicating this region of the protein may be tolerant of change. Therefore, based on the currently available information, it is unclear whether this variant is a pathogenic mutation or a rare benign variant. This variant was found in TAADV2-1

NM_001999.4(FBN2):c.3700A>G (p.Thr1234Ala)

Gene: FBN2 (fibrillin 2; minus strand). Cytogenetic location: 5q23.3.
Variant type: single nucleotide variant.
Coding change: c.3700A>G on transcript NM_001999.4 (MANE Select); coding-DNA position 3700, A replaced by G.
Protein change: p.Thr1234Ala; replaces threonine 1234 with alanine.
Molecular consequence: missense variant.
Genome position (GRCh38, 1-based): chr5:128,336,012, T>C on the plus strand (A>G on the coding strand, the complement: FBN2 is on the minus strand). VCF-style: chr5-128336012-T-C. GRCh37 (hg19) VCF-style: chr5-127671704-T-C.
Other names: short protein forms T1234A.
Identifiers: ClinVar variation 213316 (VCV000213316.2), dbSNP rs745525613, ClinGen allele CA322379.